The following is an entry in ClinVar:

ClinVar aggregate classification (germline): Uncertain significance (1 of 4 stars; one submission).

Submission:

Women's Health and Genetics/Laboratory Corporation of America, LabCorp
Classification: Uncertain significance. Last evaluated: 2025-12-31. Review status: criteria provided, single submitter. Criteria: LabCorp Variant Classification Summary - May 2015. Collection method: clinical testing. Allele origin: germline.
Comment: Variant summary: ZNF711 c.*15A>G is located in the untranslated mRNA region downstream of the termination codon. The variant was absent in 173145 control chromosomes. The available data on variant occurrences in the general population are insufficient to allow any conclusion about variant significance. To our knowledge, no occurrence of c.*15A>G in individuals affected with ZNF711-related conditions and no experimental evidence demonstrating its impact on protein function have been reported. No submitters have cited clinical-significance assessments for this variant to ClinVar. Based on the evidence outlined above, the variant was classified as uncertain significance.

NM_001330574.2(ZNF711):c.*15A>G

Gene: ZNF711 (zinc finger protein 711; plus strand). Cytogenetic location: Xq21.1.
Variant type: single nucleotide variant.
Coding change: c.*15A>G on transcript NM_001330574.2 (MANE Select); 15 bases downstream of the stop codon, A replaced by G.
Molecular consequence: 3 prime UTR variant.
Genome position (GRCh38, 1-based): chrX:85,271,843, A>G. VCF-style: chrX-85271843-A-G. GRCh37 (hg19) VCF-style: chrX-84526849-A-G.
Other names: c.*15A>G (NM_001375431.1, NM_001375432.1, NM_001375433.1 and 5 more transcripts).
Identifiers: ClinVar variation 4688786 (VCV004688786.1).